The following is an entry in ClinVar:

ClinVar aggregate classification (germline): Uncertain significance (1 of 4 stars; one submission).

Conditions:
Arrhythmogenic right ventricular dysplasia 9 (ARVD9). Also called: ARRHYTHMOGENIC RIGHT VENTRICULAR DYSPLASIA, FAMILIAL, 9; Arrhythmogenic Right Ventricular Dysplasia/Cardiomyopathy 9. Identifiers: MedGen C1836906, MONDO:0012180, OMIM 609040.

Submission:

Labcorp Genetics (formerly Invitae), Labcorp
Classification: Uncertain significance for Arrhythmogenic right ventricular dysplasia 9. Last evaluated: 2022-04-12. Review status: criteria provided, single submitter. Criteria: Invitae Variant Classification Sherloc (09022015). Collection method: clinical testing. Allele origin: germline.
Comment: In summary, the available evidence is currently insufficient to determine the role of this variant in disease. Therefore, it has been classified as a Variant of Uncertain Significance. Algorithms developed to predict the effect of missense changes on protein structure and function are either unavailable or do not agree on the potential impact of this missense change (SIFT: "Tolerated"; PolyPhen-2: "Probably Damaging"; Align-GVGD: "Class C0"). This variant has not been reported in the literature in individuals affected with PKP2-related conditions. This variant is not present in population databases (gnomAD no frequency). This sequence change replaces serine, which is neutral and polar, with asparagine, which is neutral and polar, at codon 251 of the PKP2 protein (p.Ser251Asn).

NM_001005242.3(PKP2):c.752G>A (p.Ser251Asn)

Gene: PKP2 (plakophilin 2; minus strand). Cytogenetic location: 12p11.21.
Variant type: single nucleotide variant.
Coding change: c.752G>A on transcript NM_001005242.3 (MANE Select); coding-DNA position 752, G replaced by A.
Protein change: p.Ser251Asn; replaces serine 251 with asparagine.
Molecular consequence: missense variant.
Genome position (GRCh38, 1-based): chr12:32,878,128, C>T on the plus strand (G>A on the coding strand, the complement: PKP2 is on the minus strand). VCF-style: chr12-32878128-C-T. GRCh37 (hg19) VCF-style: chr12-33031062-C-T.
Other names: c.752G>A, p.Ser251Asn (NM_001407155.1, NM_001407156.1, NM_001407157.1 and 2 more transcripts); c.425G>A, p.Ser142Asn (NM_001407158.1, NM_001407159.1, NM_001407160.1 and 1 more transcripts); short protein forms S142N, S251N.
Identifiers: ClinVar variation 1969194 (VCV001969194.5), dbSNP rs2541339874, ClinGen allele CA384362763.